The following is an entry in ClinVar:

ClinVar aggregate classification (germline): Likely benign. Review status: criteria provided, multiple submitters, no conflicts (2 of 4 stars). 2 submissions from 2 submitters: Likely benign (2). Last evaluated 2023-05-16.

Conditions:
Malignant hyperthermia, susceptibility to, 1 (MHS1). Also called: RYR1-Related Malignant Hyperthermia Susceptibility; Anesthesia related hyperthermia; Malignant hyperpyrexia; Fulminating hyperpyrexia; Pharmacogenic myopathy; Malignant hyperthermia suceptibility 1. Identifiers: Orphanet 423, MedGen C2930980, MONDO:0007783, OMIM 145600.

Submissions (2):

All of Us Research Program, National Institutes of Health
Classification: Likely benign for Malignant hyperthermia, susceptibility to, 1. Last evaluated: 2023-05-16. Review status: criteria provided, single submitter. Criteria: ACMG Guidelines, 2015. Collection method: clinical testing. Allele origin: germline. Inheritance: Autosomal dominant inheritance. Observed: 2 variant alleles, 2 heterozygotes.
Comment: This study involves interpretation of variants in research participants for the purpose of population health screening. Participant phenotype was not available at the time of variant classification. Additional details can be found in publication PMID: 35346344, PMCID: PMC8962531

Color Diagnostics, LLC DBA Color Health
Classification: Likely benign for Malignant hyperthermia, susceptibility to, 1. Last evaluated: 2022-11-06. Review status: criteria provided, single submitter. Criteria: ACMG Guidelines, 2015. Collection method: clinical testing. Allele origin: germline.

NM_000540.3(RYR1):c.4947C>T (p.Ile1649=)

Gene: RYR1 (ryanodine receptor 1; plus strand). Cytogenetic location: 19q13.2.
Variant type: single nucleotide variant.
Coding change: c.4947C>T on transcript NM_000540.3 (MANE Select); coding-DNA position 4947, C replaced by T.
Protein change: p.Ile1649=; no amino-acid change (isoleucine 1649 retained).
Molecular consequence: synonymous variant.
Genome position (GRCh38, 1-based): chr19:38,485,602, C>T. VCF-style: chr19-38485602-C-T. GRCh37 (hg19) VCF-style: chr19-38976242-C-T.
Other names: c.4947C>T, p.Ile1649= (NM_001042723.2).
Identifiers: ClinVar variation 3069896 (VCV003069896.2), dbSNP rs2514225573, ClinGen allele CA507238214.
Genomic context (GRCh38, chr19:38,485,602, plus strand): 5'-CAGGAGGCTCATTCATCTGTCCCTGTCTGTTTCCCACCTCTGCTGCAGGTGCATGGACAT[C>T]CTGGAGCTGTCGGAGCGCCTGGACCTGCAGCGCTTCCACTCGCACACCCTGCGCCTCTAC-3'
Protein context (NP_000531.2, residues 1639-1659): HIPEENRCMD[Ile1649=]LELSERLDLQ